The following is an entry in ClinVar:

NM_001164277.2(SLC37A4):c.93C>G (p.Phe31Leu)

Gene: SLC37A4 (solute carrier family 37 member 4; minus strand). Cytogenetic location: 11q23.3.
Variant type: single nucleotide variant.
Coding change: c.93C>G on transcript NM_001164277.2 (MANE Select); coding-DNA position 93, C replaced by G.
Protein change: p.Phe31Leu; replaces phenylalanine 31 with leucine.
Molecular consequence: missense variant. On other transcripts: intron variant (1).
Genome position (GRCh38, 1-based): chr11:119,029,277, G>C on the plus strand (C>G on the coding strand, the complement: SLC37A4 is on the minus strand). VCF-style: chr11-119029277-G-C. GRCh37 (hg19) VCF-style: chr11-118899987-G-C.
Other names: c.93C>G, p.Phe31Leu (NM_001164278.2, NM_001164280.2, NM_001467.6); c.-172+115C>G (NM_001164279.2); short protein forms F31L.
Identifiers: ClinVar variation 555851 (VCV000555851.4), dbSNP rs955402383, ClinGen allele CA229600928.
Genomic context (GRCh38, chr11:119,029,277, plus strand): 5'-CTCACCCAAATCATCCTTGTCCAAAGGGATCTCTTCCACCAATGATGGCATGACAAAGGA[G>C]AAGGTCTTGCGATTGAAGTAATACAGGCTGTAGCCCCCAAACATGGCTGAGAAGATCACA-3'
Protein context (NP_001157749.1, residues 21-41): YSLYYFNRKT[Phe31Leu]SFVMPSLVEE

ClinVar aggregate classification (germline): Uncertain significance. Review status: criteria provided, multiple submitters, no conflicts (2 of 4 stars). 3 submissions from 3 submitters: Uncertain significance (2). 1 of the submissions does not count toward it. Last evaluated 2025-07-02.

Conditions:
Glucose-6-phosphate transport defect (GSD1B). Also called: Glycogen Storage Disease Type Ib; GSD Ib. Identifiers: Orphanet 364, Orphanet 79259, MedGen C0268146, MONDO:0009288, OMIM 232220.
SLC37A4-related disorder. Also called: SLC37A4-related condition.

Allele frequency attached by ClinVar (database versions not stated): gnomAD exomes below 0.00001; gnomAD 0.00001; TOPMed 0.00001.

Submissions (3):

Labcorp Genetics (formerly Invitae), Labcorp
Classification: Uncertain significance for Glucose-6-phosphate transport defect. Last evaluated: 2025-07-02. Review status: criteria provided, single submitter. Criteria: Invitae Variant Classification Sherloc (09022015). Collection method: clinical testing. Allele origin: germline.
Comment: This sequence change replaces phenylalanine, which is neutral and non-polar, with leucine, which is neutral and non-polar, at codon 31 of the SLC37A4 protein (p.Phe31Leu). This variant is not present in population databases (gnomAD no frequency). This variant has not been reported in the literature in individuals affected with SLC37A4-related conditions. ClinVar contains an entry for this variant (Variation ID: 555851). Invitae Evidence Modeling of protein sequence and biophysical properties (such as structural, functional, and spatial information, amino acid conservation, physicochemical variation, residue mobility, and thermodynamic stability) indicates that this missense variant is not expected to disrupt SLC37A4 protein function with a negative predictive value of 80%. In summary, the available evidence is currently insufficient to determine the role of this variant in disease. Therefore, it has been classified as a Variant of Uncertain Significance.

PreventionGenetics, part of Exact Sciences
Classification: Uncertain significance for SLC37A4-related condition. Last evaluated: 2025-02-07. Review status: criteria provided, single submitter. Criteria: ACMG Guidelines, 2015. Collection method: clinical testing. Allele origin: germline.
Comment: The SLC37A4 c.93C>G variant is predicted to result in the amino acid substitution p.Phe31Leu. To our knowledge, this variant has not been reported in the literature or in a large population database (gnomAD), indicating this variant is rare. At this time, the clinical significance of this variant is uncertain due to the absence of conclusive functional and genetic evidence.

Counsyl
Classification: Uncertain significance for Glucose-6-phosphate transport defect. Last evaluated: 2017-12-29. Review status: no assertion criteria provided. Collection method: clinical testing. Allele origin: unknown. Not counted in ClinVar's aggregate classification.